The following is an entry in ClinVar:

NM_006231.4(POLE):c.279A>C (p.Arg93Ser)

Gene: POLE (DNA polymerase epsilon, catalytic subunit; minus strand). Cytogenetic location: 12q24.33.
Variant type: single nucleotide variant.
Coding change: c.279A>C on transcript NM_006231.4 (MANE Select); coding-DNA position 279, A replaced by C.
Protein change: p.Arg93Ser; replaces arginine 93 with serine.
Molecular consequence: missense variant.
Genome position (GRCh38, 1-based): chr12:132,680,613, T>G on the plus strand (A>C on the coding strand, the complement: POLE is on the minus strand). VCF-style: chr12-132680613-T-G. GRCh37 (hg19) VCF-style: chr12-133257199-T-G.
Other names: short protein forms R93S.
Identifiers: ClinVar variation 3781589 (VCV003781589.1).

ClinVar aggregate classification (germline): Uncertain significance (1 of 4 stars; one submission).

Conditions:
Hereditary cancer-predisposing syndrome. Also called: Neoplastic Syndromes, Hereditary; Hereditary Cancer Syndrome; Tumor predisposition; Hereditary neoplastic syndrome. Identifiers: Orphanet 140162, MedGen C0027672, MeSH D009386, MONDO:0015356.

Submission:

Ambry Genetics
Classification: Uncertain significance for Hereditary cancer-predisposing syndrome. Last evaluated: 2025-02-25. Review status: criteria provided, single submitter. Criteria: Ambry Variant Classification Scheme 2023. Collection method: clinical testing. Allele origin: germline.
Comment: The p.R93S variant (also known as c.279A>C), located in coding exon 3 of the POLE gene, results from an A to C substitution at nucleotide position 279. The arginine at codon 93 is replaced by serine, an amino acid with dissimilar properties. This amino acid position is highly conserved in available vertebrate species. In addition, the in silico prediction for this alteration is inconclusive. Based on the available evidence, the clinical significance of this variant remains unclear.